The following is an entry in ClinVar:

NM_024675.4(PALB2):c.2073C>A (p.Ser691Arg)

Gene: PALB2 (partner and localizer of BRCA2; minus strand). Cytogenetic location: 16p12.2.
Variant type: single nucleotide variant.
Coding change: c.2073C>A on transcript NM_024675.4 (MANE Select); coding-DNA position 2073, C replaced by A.
Protein change: p.Ser691Arg; replaces serine 691 with arginine.
Molecular consequence: missense variant.
Genome position (GRCh38, 1-based): chr16:23,630,081, G>T on the plus strand (C>A on the coding strand, the complement: PALB2 is on the minus strand). VCF-style: chr16-23630081-G-T. GRCh37 (hg19) VCF-style: chr16-23641402-G-T.
Other names: c.2013C>A, p.Ser671Arg (NM_001407296.1); c.2073C>A, p.Ser691Arg (NM_001407297.1, NM_001407298.1, NM_001407299.1 and 3 more transcripts); c.1188C>A, p.Ser396Arg (NM_001407304.1, NM_001407305.1, NM_001407306.1 and 5 more transcripts); c.285C>A, p.Ser95Arg (NM_001407312.1, NM_001407313.1); short protein forms S671R, S691R, S95R, S396R.
Identifiers: ClinVar variation 1785426 (VCV001785426.2), dbSNP rs1567218173, ClinGen allele CA395126619.

ClinVar aggregate classification (germline): Uncertain significance (1 of 4 stars; one submission).

Conditions:
Hereditary cancer-predisposing syndrome. Also called: Neoplastic Syndromes, Hereditary; Tumor predisposition; Hereditary Cancer Syndrome; Hereditary neoplastic syndrome. Identifiers: Orphanet 140162, MedGen C0027672, MeSH D009386, MONDO:0015356.

Submission:

Ambry Genetics
Classification: Uncertain significance for Hereditary cancer-predisposing syndrome. Last evaluated: 2020-09-23. Review status: criteria provided, single submitter. Criteria: Ambry Variant Classification Scheme 2023. Collection method: clinical testing. Allele origin: germline.
Comment: The p.S691R variant (also known as c.2073C>A), located in coding exon 5 of the PALB2 gene, results from a C to A substitution at nucleotide position 2073. The serine at codon 691 is replaced by arginine, an amino acid with dissimilar properties. This amino acid position is not well conserved in available vertebrate species. In addition, this alteration is predicted to be tolerated by in silico analysis. Since supporting evidence is limited at this time, the clinical significance of this alteration remains unclear.